The following is an entry in ClinVar:

NC_000009.11:g.(6595120_6602108)_(6645730_?)del

Gene: GLDC (glycine decarboxylase; minus strand). Cytogenetic location: 9p24.1.
Variant type: Deletion.
Identifiers: ClinVar variation 4689720 (VCV004689720.1).

ClinVar aggregate classification (germline): Pathogenic (1 of 4 stars; one submission).

Conditions:
Glycine encephalopathy. Also called: Nonketotic hyperglycinemia; Non-ketotic hyperglycinemia. Identifiers: Orphanet 407, MedGen C0751748, MONDO:0011612, HP:0008288.

Submission:

Women's Health and Genetics/Laboratory Corporation of America, LabCorp
Classification: Pathogenic for Glycine encephalopathy. Last evaluated: 2026-01-26. Review status: criteria provided, single submitter. Criteria: LabCorp Variant Classification Summary - May 2015. Collection method: clinical testing. Allele origin: germline.
Comment: Variant summary: The variant involves the deletion of exons 1-8 in the GLDC gene. The exact breakpoint at the 5' end of this variant is unknown, therefore this deletion may extend upstream of the annotated region of this gene. Although the exact breakpoints of this deletion are not known, it is predicted to remove the initiation codon and result in an absence of protein or a truncation of the encoded protein due to translation initiation at a downstream site. Loss-of-function variants in this gene are known to be pathogenic. A presumed nomenclature of c.(?_-231)_(1155+1_1156-1)del has been designated for the purposes of this classification. The variant was absent in 21694 control chromosomes. c.(?_-231)_(1155+1_1156-1)del has been observed in multiple individuals affected with Glycine Encephalopathy (Non-Ketotic Hyperglycinemia) (example: Coughlin_2017). These data indicate that the variant is very likely to be associated with disease. The following publication has been ascertained in the context of this evaluation (PMID: 29300369). ClinVar contains an entry for this variant (Variation ID: 1459664). Based on the evidence outlined above, the variant was classified as pathogenic.

Literature cited by the submitters: PubMed 29300369.